The following is an entry in ClinVar:

NM_004415.4(DSP):c.3619delinsGGG (p.Arg1207fs)

Gene: DSP (desmoplakin; plus strand). Cytogenetic location: 6p24.3.
Variant type: Indel.
Coding change: c.3619delinsGGG on transcript NM_004415.4 (MANE Select); coding-DNA position 3619, A replaced by GGG.
Protein change: p.Arg1207fs; shifts the reading frame from arginine 1207.
Molecular consequence: frameshift variant. On other transcripts: intron variant (1).
Genome position (GRCh38, 1-based): chr6:7,579,809, A replaced by GGG. VCF-style: chr6-7579809-A-GGG. GRCh37 (hg19) VCF-style: chr6-7580042-A-GGG.
Other names: c.3619delAinsGGG (NM_004415.4); c.3619delinsGGG, p.Arg1207fs (NM_001319034.2); c.3582+37delinsGGG (NM_001008844.3); short protein forms R1207fs.
Identifiers: ClinVar variation 3068688 (VCV003068688.1), dbSNP rs2533924905, ClinGen allele CA2580611964.
Genomic context (GRCh38, chr6:7,579,809, plus strand): 5'-GAATATGAAAATGAGCTGGCAAAGGTAAGAAACCACTATAATGAGGAGATGAGTAATTTA[A>GGG]GGAACAAGTATGAAACAGAGATTAACATTACGAAGACCACCATCAAGGAGATATCCATGC-3'

ClinVar aggregate classification (germline): Pathogenic (1 of 4 stars; one submission).

Conditions:
Arrhythmogenic cardiomyopathy with wooly hair and keratoderma. Also called: Carvajal syndrome; PALMOPLANTAR KERATODERMA WITH LEFT VENTRICULAR CARDIOMYOPATHY AND WOOLLY HAIR; Dilated cardiomyopathy with woolly hair and keratoderma; Arrhythmogenic cardiomyopathy with woolly hair and keratoderma. Identifiers: Orphanet 65282, MedGen C1854063, MONDO:0011581, OMIM 605676.

Submission:

Molecular Genetics, Royal Melbourne Hospital
Classification: Pathogenic for Arrhythmogenic cardiomyopathy with wooly hair and keratoderma. Last evaluated: 2023-08-01. Review status: criteria provided, single submitter. Criteria: ACMG Guidelines, 2015. Collection method: clinical testing. Allele origin: germline. Inheritance: Autosomal dominant inheritance. Affected: yes.
Comment: This complex sequence change in DSP is a frameshift variant predicted to cause a premature stop codon, p.(Arg1207Glyfs*44), in biologically relevant exon 23/24 leading to nonsense-mediated decay in a gene in which loss-of-function is an established disease mechanism. This variant is absent from the population database gnomAD v2.1 and v3.1. To our knowledge, this variant is novel and has not been previously reported in the relevant scientific literature or databases. This variant has been identified in at least one individual with a phenotype consistent with DSP-related cardiomyopathy (Royal Melbourne Hospital). Based on the classification scheme RMH Modified ACMG Guidelines v1.6.1, this variant is classified as PATHOGENIC. Following criteria are met: PVS1, PS4_Supporting, PM2_Supporting.